The following is an entry in ClinVar:

NM_014363.6(SACS):c.4888C>G (p.Pro1630Ala)

Gene: SACS (sacsin molecular chaperone; minus strand). Cytogenetic location: 13q12.12.
Variant type: single nucleotide variant.
Coding change: c.4888C>G on transcript NM_014363.6 (MANE Select); coding-DNA position 4888, C replaced by G.
Protein change: p.Pro1630Ala; replaces proline 1630 with alanine.
Molecular consequence: missense variant.
Genome position (GRCh38, 1-based): chr13:23,338,988, G>C on the plus strand (C>G on the coding strand, the complement: SACS is on the minus strand). VCF-style: chr13-23338988-G-C. GRCh37 (hg19) VCF-style: chr13-23913127-G-C.
Other names: c.4447C>G, p.Pro1483Ala (NM_001278055.2); c.4888C>G (NM_014363.4); short protein forms P1483A, P1630A.
Identifiers: ClinVar variation 2176044 (VCV002176044.5), dbSNP rs754704394, ClinGen allele CA6911332.

ClinVar aggregate classification (germline): Uncertain significance. Review status: criteria provided, multiple submitters, no conflicts (2 of 4 stars). 2 submissions from 2 submitters: Uncertain significance (2). Last evaluated 2024-02-28.

Conditions:
Inborn genetic diseases. Identifiers: MedGen C0950123, MeSH D030342.
Spastic paraplegia. Identifiers: MedGen C0037772, HP:0001258.

Allele frequency attached by ClinVar (database versions not stated): gnomAD exomes below 0.00001; ExAC 0.00001.
gnomAD v4.1: 5 of 1,613,890 alleles (0.00031%); highest among the groups gnomAD compares: Non-Finnish European, 0.00034%; no homozygotes.

Submissions (2):

Ambry Genetics
Classification: Uncertain significance for Inborn genetic diseases. Last evaluated: 2024-02-28. Review status: criteria provided, single submitter. Criteria: Ambry Variant Classification Scheme 2023. Collection method: clinical testing. Allele origin: germline.

Labcorp Genetics (formerly Invitae), Labcorp
Classification: Uncertain significance for Spastic paraplegia. Last evaluated: 2022-07-17. Review status: criteria provided, single submitter. Criteria: Invitae Variant Classification Sherloc (09022015). Collection method: clinical testing. Allele origin: germline.
Comment: Advanced modeling of protein sequence and biophysical properties (such as structural, functional, and spatial information, amino acid conservation, physicochemical variation, residue mobility, and thermodynamic stability) performed at Invitae indicates that this missense variant is not expected to disrupt SACS protein function. In summary, the available evidence is currently insufficient to determine the role of this variant in disease. Therefore, it has been classified as a Variant of Uncertain Significance. This variant has not been reported in the literature in individuals affected with SACS-related conditions. This variant is present in population databases (rs754704394, gnomAD 0.002%). This sequence change replaces proline, which is neutral and non-polar, with alanine, which is neutral and non-polar, at codon 1630 of the SACS protein (p.Pro1630Ala).